The following is an entry in ClinVar:

NM_001330260.2(SCN8A):c.4669A>G (p.Ile1557Val)

Gene: SCN8A (sodium voltage-gated channel alpha subunit 8; plus strand). Cytogenetic location: 12q13.13.
Variant type: single nucleotide variant.
Coding change: c.4669A>G on transcript NM_001330260.2 (MANE Select); coding-DNA position 4669, A replaced by G.
Protein change: p.Ile1557Val; replaces isoleucine 1557 with valine.
Molecular consequence: missense variant.
Genome position (GRCh38, 1-based): chr12:51,794,515, A>G. VCF-style: chr12-51794515-A-G. GRCh37 (hg19) VCF-style: chr12-52188299-A-G.
Other names: c.4546A>G, p.Ile1516Val (NM_001177984.3, NM_001369788.1); c.4669A>G, p.Ile1557Val (NM_014191.4); short protein forms I1516V, I1557V.
Identifiers: ClinVar variation 2880978 (VCV002880978.3), dbSNP rs2540315707, ClinGen allele CA384879098.

ClinVar aggregate classification (germline): Uncertain significance (1 of 4 stars; one submission).

Conditions:
Early-infantile DEE. Also called: Ohtahara syndrome; Early infantile epileptic encephalopathy; Early infantile epileptic encephalopathy with suppression bursts. Identifiers: Orphanet 1934, MedGen C0393706, MONDO:0800491.

Allele frequency attached by ClinVar (database versions not stated): gnomAD exomes below 0.00001.
gnomAD v4.1: 1 of 1,614,010 alleles (0.000062%); highest among the groups gnomAD compares: African/African-American, 0.0013%; no homozygotes.

Submission:

Labcorp Genetics (formerly Invitae), Labcorp
Classification: Uncertain significance for Early-infantile DEE. Last evaluated: 2023-04-09. Review status: criteria provided, single submitter. Criteria: Invitae Variant Classification Sherloc (09022015). Collection method: clinical testing. Allele origin: germline.
Comment: In summary, the available evidence is currently insufficient to determine the role of this variant in disease. Therefore, it has been classified as a Variant of Uncertain Significance. Advanced modeling of protein sequence and biophysical properties (such as structural, functional, and spatial information, amino acid conservation, physicochemical variation, residue mobility, and thermodynamic stability) performed at Invitae indicates that this missense variant is not expected to disrupt SCN8A protein function. This variant has not been reported in the literature in individuals affected with SCN8A-related conditions. This variant is not present in population databases (gnomAD no frequency). This sequence change replaces isoleucine, which is neutral and non-polar, with valine, which is neutral and non-polar, at codon 1557 of the SCN8A protein (p.Ile1557Val).